The following is an entry in ClinVar:

NM_014264.5(PLK4):c.104G>A (p.Gly35Asp)

Gene: PLK4 (polo like kinase 4; plus strand). Cytogenetic location: 4q28.1.
Variant type: single nucleotide variant.
Coding change: c.104G>A on transcript NM_014264.5 (MANE Select); coding-DNA position 104, G replaced by A.
Protein change: p.Gly35Asp; replaces glycine 35 with aspartic acid.
Molecular consequence: missense variant. On other transcripts: 5 prime UTR variant (1).
Genome position (GRCh38, 1-based): chr4:127,881,904, G>A. VCF-style: chr4-127881904-G-A. GRCh37 (hg19) VCF-style: chr4-128803059-G-A.
Other names: c.104G>A (NM_014264.4); c.104G>A, p.Gly35Asp (NM_001190799.2); c.-20G>A (NM_001190801.2); short protein forms G35D.
Identifiers: ClinVar variation 1443749 (VCV001443749.7), dbSNP rs559914338, ClinGen allele CA3076486.

ClinVar aggregate classification (germline): Uncertain significance. Review status: criteria provided, multiple submitters, no conflicts (2 of 4 stars). 2 submissions from 2 submitters: Uncertain significance (2). Last evaluated 2024-07-15.

Conditions:
Inborn genetic diseases. Identifiers: MedGen C0950123, MeSH D030342.

Allele frequency attached by ClinVar (database versions not stated): gnomAD 0.00002; gnomAD exomes 0.00006 and 0.00016; 1000 Genomes Project 30x 0.00016; 1000 Genomes Project 0.00020; ExAC 0.00021.
gnomAD v4.1: 92 of 1,598,668 alleles (0.0058%); highest among the groups gnomAD compares: South Asian, 0.093%; 2 homozygotes.

Submissions (2):

Ambry Genetics
Classification: Uncertain significance for Inborn genetic diseases. Last evaluated: 2024-07-15. Review status: criteria provided, single submitter. Criteria: Ambry Variant Classification Scheme 2023. Collection method: clinical testing. Allele origin: germline.

Labcorp Genetics (formerly Invitae), Labcorp
Classification: Uncertain significance. Last evaluated: 2024-03-11. Review status: criteria provided, single submitter. Criteria: Invitae Variant Classification Sherloc (09022015). Collection method: clinical testing. Allele origin: germline.
Comment: This sequence change replaces glycine, which is neutral and non-polar, with aspartic acid, which is acidic and polar, at codon 35 of the PLK4 protein (p.Gly35Asp). This variant is present in population databases (rs559914338, gnomAD 0.1%), including at least one homozygous and/or hemizygous individual. This variant has not been reported in the literature in individuals affected with PLK4-related conditions. ClinVar contains an entry for this variant (Variation ID: 1443749). An algorithm developed to predict the effect of missense changes on protein structure and function (PolyPhen-2) suggests that this variant is likely to be disruptive. In summary, the available evidence is currently insufficient to determine the role of this variant in disease. Therefore, it has been classified as a Variant of Uncertain Significance.